The following is an entry in ClinVar:

NM_182961.4(SYNE1):c.9605G>C (p.Arg3202Pro)

Gene: SYNE1 (spectrin repeat containing nuclear envelope protein 1; minus strand). Cytogenetic location: 6q25.2.
Variant type: single nucleotide variant.
Coding change: c.9605G>C on transcript NM_182961.4 (MANE Select); coding-DNA position 9605, G replaced by C.
Protein change: p.Arg3202Pro; replaces arginine 3202 with proline.
Molecular consequence: missense variant.
Genome position (GRCh38, 1-based): chr6:152,369,517, C>G on the plus strand (G>C on the coding strand, the complement: SYNE1 is on the minus strand). VCF-style: chr6-152369517-C-G. GRCh37 (hg19) VCF-style: chr6-152690652-C-G.
Other names: c.9626G>C, p.Arg3209Pro (NM_033071.5); short protein forms R3202P, R3209P.
Identifiers: ClinVar variation 3777895 (VCV003777895.7).

ClinVar aggregate classification (germline): Uncertain significance (1 of 4 stars; one submission).

Submission:

CeGaT Center for Human Genetics Tuebingen
Classification: Uncertain significance. Last evaluated: 2025-03-01. Review status: criteria provided, single submitter. Criteria: CeGaT Center For Human Genetics Tuebingen Variant Classification Criteria Version 2. Collection method: clinical testing. Allele origin: germline. Affected: yes. Observed: 1 variant allele.
Comment: SYNE1: PM2